The following is an entry in ClinVar:

ClinVar aggregate classification (germline): Conflicting classifications of pathogenicity. Review status: criteria provided, conflicting classifications (1 of 4 stars). 2 submissions from 2 submitters: Uncertain significance (1); Likely benign (1). Last evaluated 2025-01-06.

Conditions:
Inborn genetic diseases. Identifiers: MedGen C0950123, MeSH D030342.
Baller-Gerold syndrome (BGS). Also called: CRANIOSYNOSTOSIS WITH RADIAL DEFECTS. Identifiers: Orphanet 1225, MedGen C0265308, MONDO:0009039, OMIM 218600.

gnomAD v4.1: 7 of 1,612,626 alleles (0.00043%); highest among the groups gnomAD compares: Non-Finnish European, 0.00051%; no homozygotes.

Submissions (2):

Ambry Genetics
Classification: Likely benign for Inborn genetic diseases. Last evaluated: 2025-01-06. Review status: criteria provided, single submitter. Criteria: Ambry Variant Classification Scheme 2023. Collection method: clinical testing. Allele origin: germline.

Labcorp Genetics (formerly Invitae), Labcorp
Classification: Uncertain significance for Baller-Gerold syndrome. Last evaluated: 2023-05-20. Review status: criteria provided, single submitter. Criteria: Invitae Variant Classification Sherloc (09022015). Collection method: clinical testing. Allele origin: germline.
Comment: This sequence change replaces threonine, which is neutral and polar, with alanine, which is neutral and non-polar, at codon 449 of the RECQL4 protein (p.Thr449Ala). This variant is not present in population databases (gnomAD no frequency). This variant has not been reported in the literature in individuals affected with RECQL4-related conditions. ClinVar contains an entry for this variant (Variation ID: 838358). Advanced modeling of protein sequence and biophysical properties (such as structural, functional, and spatial information, amino acid conservation, physicochemical variation, residue mobility, and thermodynamic stability) performed at Invitae indicates that this missense variant is not expected to disrupt RECQL4 protein function. In summary, the available evidence is currently insufficient to determine the role of this variant in disease. Therefore, it has been classified as a Variant of Uncertain Significance.

NM_004260.4(RECQL4):c.1345A>G (p.Thr449Ala)

Gene: RECQL4 (RecQ like helicase 4; minus strand). Cytogenetic location: 8q24.3.
Variant type: single nucleotide variant.
Coding change: c.1345A>G on transcript NM_004260.4 (MANE Select); coding-DNA position 1345, A replaced by G.
Protein change: p.Thr449Ala; replaces threonine 449 with alanine.
Molecular consequence: missense variant.
Genome position (GRCh38, 1-based): chr8:144,515,371, T>C on the plus strand (A>G on the coding strand, the complement: RECQL4 is on the minus strand). VCF-style: chr8-144515371-T-C. GRCh37 (hg19) VCF-style: chr8-145740755-T-C.
Other names: short protein forms T449A.
Identifiers: ClinVar variation 838358 (VCV000838358.6), dbSNP rs535692036, ClinGen allele CA372685525.
Genomic context (GRCh38, chr8:144,515,371, plus strand): 5'-AAGCTGACTGCTCACCTGCCAACTGCCCTGAGGGCCCCAGGGAGTAGAGTGGCAGCACGG[T>C]GGGGTCCAGGCTGGGCACCTCAGGTACAGGTTGTGGTGAAGGAACCAGTGGCTCAGGCCC-3'
Protein context (NP_004251.4, residues 439-459): PVPEVPSLDP[Thr449Ala]VLPLYSLGPS